The following is an entry in ClinVar:

ClinVar aggregate classification (germline): Uncertain significance (1 of 4 stars; one submission).

Conditions:
Catecholaminergic polymorphic ventricular tachycardia 1. Also called: RYR2-Related Catecholaminergic Polymorphic Ventricular Tachycardia; VENTRICULAR TACHYCARDIA, CATECHOLAMINERGIC POLYMORPHIC, 1, WITH OR WITHOUT ATRIAL DYSFUNCTION AND/OR DILATED CARDIOMYOPATHY; VENTRICULAR TACHYCARDIA, STRESS-INDUCED POLYMORPHIC 1. Identifiers: Orphanet 3286, MedGen C1631597, MONDO:0011484, OMIM 604772.

Allele frequency attached by ClinVar (database versions not stated): ExAC 0.00004; gnomAD exomes below 0.00001; gnomAD 0.00001 and 0.00003; TOPMed 0.00002.
gnomAD v4.1: 8 of 1,529,914 alleles (0.00052%); highest among the groups gnomAD compares: Middle Eastern, 0.034%; no homozygotes.

Submission:

Labcorp Genetics (formerly Invitae), Labcorp
Classification: Uncertain significance for Catecholaminergic polymorphic ventricular tachycardia 1. Last evaluated: 2021-08-30. Review status: criteria provided, single submitter. Criteria: Invitae Variant Classification Sherloc (09022015). Collection method: clinical testing. Allele origin: germline.
Comment: This sequence change replaces histidine with aspartic acid at codon 554 of the TRDN protein (p.His554Asp). The histidine residue is weakly conserved and there is a moderate physicochemical difference between histidine and aspartic acid. The frequency data for this variant in the population databases is considered unreliable, as metrics indicate poor data quality at this position in the ExAC database. This variant has not been reported in the literature in individuals affected with TRDN-related conditions. Algorithms developed to predict the effect of missense changes on protein structure and function are either unavailable or do not agree on the potential impact of this missense change (SIFT: "Deleterious"; PolyPhen-2: "Benign"; Align-GVGD: "Class C0"). In summary, the available evidence is currently insufficient to determine the role of this variant in disease. Therefore, it has been classified as a Variant of Uncertain Significance.

NM_006073.4(TRDN):c.1660C>G (p.His554Asp)

Gene: TRDN (triadin; minus strand). Cytogenetic location: 6q22.31.
Variant type: single nucleotide variant.
Coding change: c.1660C>G on transcript NM_006073.4 (MANE Select); coding-DNA position 1660, C replaced by G.
Protein change: p.His554Asp; replaces histidine 554 with aspartic acid.
Molecular consequence: missense variant.
Genome position (GRCh38, 1-based): chr6:123,272,976, G>C on the plus strand (C>G on the coding strand, the complement: TRDN is on the minus strand). VCF-style: chr6-123272976-G-C. GRCh37 (hg19) VCF-style: chr6-123594121-G-C.
Other names: short protein forms H554D.
Identifiers: ClinVar variation 1007676 (VCV001007676.7), dbSNP rs749072053, ClinGen allele CA3983821.